The following is an entry in ClinVar:

NM_005883.3(APC2):c.2686C>G (p.Arg896Gly)

Gene: APC2 (APC regulator of WNT signaling pathway 2; plus strand). Cytogenetic location: 19p13.3.
Variant type: single nucleotide variant.
Coding change: c.2686C>G on transcript NM_005883.3 (MANE Select); coding-DNA position 2686, C replaced by G.
Protein change: p.Arg896Gly; replaces arginine 896 with glycine.
Molecular consequence: missense variant.
Genome position (GRCh38, 1-based): chr19:1,465,987, C>G. VCF-style: chr19-1465987-C-G. GRCh37 (hg19) VCF-style: chr19-1465986-C-G.
Other names: c.2683C>G, p.Arg895Gly (NM_001351273.1); short protein forms R895G, R896G.
Identifiers: ClinVar variation 3377273 (VCV003377273.1).

ClinVar aggregate classification (germline): Uncertain significance (1 of 4 stars; one submission).

Conditions:
Intellectual developmental disorder, autosomal recessive 74 (MRT74). Also called: Sotos syndrome 3. Identifiers: MedGen C4310684, MONDO:0014951, OMIM 617169.

gnomAD v4.1: 2 of 1,522,420 alleles (0.00013%); highest among the groups gnomAD compares: African/African-American, 0.0029%; no homozygotes.

Submission:

Victorian Clinical Genetics Services, Murdoch Childrens Research Institute
Classification: Uncertain significance for Intellectual developmental disorder, autosomal recessive 74. Last evaluated: 2024-10-10. Review status: criteria provided, single submitter. Criteria: ACMG Guidelines, 2015. Collection method: clinical testing. Allele origin: germline. Inheritance: Autosomal recessive inheritance. Affected: yes.
Comment: Based on the classification scheme VCGS_Germline_v1.3.5, this variant is classified as VUS-3B Following criteria are met: 0102 - Loss of function is a known mechanism of disease in this gene and is associated with cortical dysplasia, complex, with other brain malformations 10 (MIM#618677) and intellectual developmental disorder, autosomal recessive 74 (MIM#617169). (I) 0106 - This gene is associated with autosomal recessive disease. (I) 0115 - Variants in this gene are known to have variable expressivity. Intrafamilial variability has been reported (PMID: 31585108). (I) 0200 - Variant is predicted to result in a missense amino acid change from arginine to glycine. (I) 0251 - This variant is heterozygous. (I) 0304 - Variant is present in gnomAD <0.01 for a recessive condition (v4; 2 heterozygotes, 0 homozygotes). (SP) 0309 - Multiple alternative amino acid changes at the same position have been observed in gnomAD (v4 highest allele count: 5 heterozygotes, 0 homozygotes). (I) 0502 - Missense variant with conflicting in silico predictions and uninformative conservation. (I) 0600 - Variant is located in the annotated armadillo-associated region (DECIPHER). (I) 0705 - No comparable missense variants have previous evidence for pathogenicity. (I) 0807 - This variant has no previous evidence of pathogenicity. (I) 0905 - No published segregation evidence has been identified for this variant. (I) 1007 - No published functional evidence has been identified for this variant. (I) Legend: (SP) - Supporting pathogenic, (I) - Information, (SB) - Supporting benign

Literature cited by the submitters: PubMed 31585108.